The following is an entry in ClinVar:

ClinVar aggregate classification (germline): Uncertain significance (1 of 4 stars; one submission).

Allele frequency attached by ClinVar (database versions not stated): gnomAD exomes below 0.00001; ExAC 0.00001.
gnomAD v4.1: 2 of 1,614,158 alleles (0.00012%); highest among the groups gnomAD compares: Non-Finnish European, 0.00017%; no homozygotes.

Submission:

Labcorp Genetics (formerly Invitae), Labcorp
Classification: Uncertain significance. Last evaluated: 2022-12-06. Review status: criteria provided, single submitter. Criteria: Invitae Variant Classification Sherloc (09022015). Collection method: clinical testing. Allele origin: germline.
Comment: In summary, the available evidence is currently insufficient to determine the role of this variant in disease. Therefore, it has been classified as a Variant of Uncertain Significance. Advanced modeling of protein sequence and biophysical properties (such as structural, functional, and spatial information, amino acid conservation, physicochemical variation, residue mobility, and thermodynamic stability) performed at Invitae indicates that this missense variant is not expected to disrupt TYR protein function. ClinVar contains an entry for this variant (Variation ID: 1387938). This variant has not been reported in the literature in individuals affected with TYR-related conditions. This variant is not present in population databases (gnomAD no frequency). This sequence change replaces glutamic acid, which is acidic and polar, with alanine, which is neutral and non-polar, at codon 193 of the TYR protein (p.Glu193Ala).

NM_000372.5(TYR):c.578A>C (p.Glu193Ala)

Gene: TYR (tyrosinase; plus strand). Cytogenetic location: 11q14.3.
Variant type: single nucleotide variant.
Coding change: c.578A>C on transcript NM_000372.5 (MANE Select); coding-DNA position 578, A replaced by C.
Protein change: p.Glu193Ala; replaces glutamic acid 193 with alanine.
Molecular consequence: missense variant.
Genome position (GRCh38, 1-based): chr11:89,178,531, A>C. VCF-style: chr11-89178531-A-C. GRCh37 (hg19) VCF-style: chr11-88911699-A-C.
Other names: short protein forms E193A.
Identifiers: ClinVar variation 1387938 (VCV001387938.6), dbSNP rs751717415, ClinGen allele CA6221145.